The following is an entry in ClinVar:

NM_152383.5(DIS3L2):c.137A>G (p.Lys46Arg)

Gene: DIS3L2 (DIS3 like 3'-5' exoribonuclease 2; plus strand). Cytogenetic location: 2q37.1.
Variant type: single nucleotide variant.
Coding change: c.137A>G on transcript NM_152383.5 (MANE Select); coding-DNA position 137, A replaced by G.
Protein change: p.Lys46Arg; replaces lysine 46 with arginine.
Molecular consequence: missense variant. On other transcripts: non-coding transcript variant (2).
Genome position (GRCh38, 1-based): chr2:232,015,598, A>G. VCF-style: chr2-232015598-A-G. GRCh37 (hg19) VCF-style: chr2-232880308-A-G.
Other names: c.137A>G, p.Lys46Arg (NM_001257281.2, NM_001257282.2); short protein forms K46R.
Identifiers: ClinVar variation 1039004 (VCV001039004.8), dbSNP rs1694331818, ClinGen allele CA351151977.

ClinVar aggregate classification (germline): Uncertain significance (1 of 4 stars; one submission).

Conditions:
Perlman syndrome (PRLMNS). Identifiers: Orphanet 2849, MedGen C0796113, MONDO:0009965, OMIM 267000.

Submission:

Labcorp Genetics (formerly Invitae), Labcorp
Classification: Uncertain significance for Perlman syndrome. Last evaluated: 2024-05-07. Review status: criteria provided, single submitter. Criteria: Invitae Variant Classification Sherloc (09022015). Collection method: clinical testing. Allele origin: germline.
Comment: This sequence change replaces lysine, which is basic and polar, with arginine, which is basic and polar, at codon 46 of the DIS3L2 protein (p.Lys46Arg). This variant is not present in population databases (gnomAD no frequency). This variant has not been reported in the literature in individuals affected with DIS3L2-related conditions. ClinVar contains an entry for this variant (Variation ID: 1039004). Algorithms developed to predict the effect of missense changes on protein structure and function output the following: SIFT: "Not Available"; PolyPhen-2: "Benign"; Align-GVGD: "Not Available". The arginine amino acid residue is found in multiple mammalian species, which suggests that this missense change does not adversely affect protein function. In summary, the available evidence is currently insufficient to determine the role of this variant in disease. Therefore, it has been classified as a Variant of Uncertain Significance.